The following is an entry in ClinVar:

ClinVar aggregate classification (germline): Uncertain significance. Review status: criteria provided, multiple submitters, no conflicts (2 of 4 stars). 2 submissions from 2 submitters: Uncertain significance (2). Last evaluated 2025-03-31.

Conditions:
Familial adenomatous polyposis 1 (FAP1). Also called: FAMILIAL ADENOMATOUS POLYPOSIS 1, ATTENUATED; POLYPOSIS, ADENOMATOUS INTESTINAL. Identifiers: MedGen C2713442, MONDO:0021056, OMIM 175100. Disease mechanism: loss of function.
Hereditary cancer-predisposing syndrome. Also called: Tumor predisposition; Hereditary neoplastic syndrome; Neoplastic Syndromes, Hereditary; Hereditary Cancer Syndrome. Identifiers: Orphanet 140162, MedGen C0027672, MeSH D009386, MONDO:0015356.

Submissions (2):

Color Diagnostics, LLC DBA Color Health
Classification: Uncertain significance for Hereditary cancer-predisposing syndrome. Last evaluated: 2025-03-31. Review status: criteria provided, single submitter. Criteria: ACMG Guidelines, 2015. Collection method: clinical testing. Allele origin: germline.
Comment: This missense variant replaces glutamic acid with lysine at codon 425 of the APC protein. Computational prediction is inconclusive regarding the impact of this variant on protein structure and function. To our knowledge, functional studies have not been reported for this variant. This variant has not been reported in individuals affected with APC-related disorders in the literature. This variant has not been identified in the general population by the Genome Aggregation Database (gnomAD). The available evidence is insufficient to determine the role of this variant in disease conclusively. Therefore, this variant is classified as a Variant of Uncertain Significance.

Labcorp Genetics (formerly Invitae), Labcorp
Classification: Uncertain significance for Familial adenomatous polyposis 1. Last evaluated: 2022-03-27. Review status: criteria provided, single submitter. Criteria: Invitae Variant Classification Sherloc (09022015). Collection method: clinical testing. Allele origin: germline.
Comment: This sequence change replaces glutamic acid, which is acidic and polar, with lysine, which is basic and polar, at codon 425 of the APC protein (p.Glu425Lys). In summary, the available evidence is currently insufficient to determine the role of this variant in disease. Therefore, it has been classified as a Variant of Uncertain Significance. Algorithms developed to predict the effect of missense changes on protein structure and function are either unavailable or do not agree on the potential impact of this missense change (SIFT: "Deleterious"; PolyPhen-2: "Benign"; Align-GVGD: "Class C15"). This variant has not been reported in the literature in individuals affected with APC-related conditions. This variant is not present in population databases (gnomAD no frequency).

NM_000038.6(APC):c.1273G>A (p.Glu425Lys)

Gene: APC (APC regulator of Wnt signaling pathway; plus strand). Cytogenetic location: 5q22.2.
Variant type: single nucleotide variant.
Coding change: c.1273G>A on transcript NM_000038.6 (MANE Select); coding-DNA position 1273, G replaced by A.
Protein change: p.Glu425Lys; replaces glutamic acid 425 with lysine.
Molecular consequence: missense variant.
Genome position (GRCh38, 1-based): chr5:112,819,305, G>A. VCF-style: chr5-112819305-G-A. GRCh37 (hg19) VCF-style: chr5-112155002-G-A.
Other names: c.1273G>A, p.Glu425Lys (NM_001127510.3, NM_001354895.2, NM_001354896.2); c.1219G>A, p.Glu407Lys (NM_001127511.3); c.1303G>A, p.Glu435Lys (NM_001354897.2); c.1198G>A, p.Glu400Lys (NM_001354898.2); c.1189G>A, p.Glu397Lys (NM_001354899.2); c.1096G>A, p.Glu366Lys (NM_001354900.2, NM_001354901.2); c.1000G>A, p.Glu334Lys (NM_001354902.2); c.970G>A, p.Glu324Lys (NM_001354903.2); and 3 more; short protein forms E334K, E400K, E366K, E299K, E324K, E435K, E142K, E265K.
Identifiers: ClinVar variation 1491039 (VCV001491039.7), dbSNP rs2149783573, ClinGen allele CA16024093.